The following is an entry in ClinVar:

ClinVar aggregate classification (germline): Uncertain significance (1 of 4 stars; one submission).

Submission:

Labcorp Genetics (formerly Invitae), Labcorp
Classification: Uncertain significance. Last evaluated: 2024-08-13. Review status: criteria provided, single submitter. Criteria: Invitae Variant Classification Sherloc (09022015). Collection method: clinical testing. Allele origin: germline.
Comment: This sequence change creates a premature translational stop signal (p.Trp372Glyfs*24) in the GUCY2C gene. It is expected to result in an absent or disrupted protein product. However, the current clinical and genetic evidence is not sufficient to establish whether loss-of-function variants in GUCY2C cause disease. This variant is not present in population databases (gnomAD no frequency). This variant has not been reported in the literature in individuals affected with GUCY2C-related conditions. Algorithms developed to predict the effect of sequence changes on RNA splicing suggest that this variant may disrupt the consensus splice site. In summary, the available evidence is currently insufficient to determine the role of this variant in disease. Therefore, it has been classified as a Variant of Uncertain Significance.

NM_004963.4(GUCY2C):c.1114del (p.Trp372fs)

Genes: GUCY2C (guanylate cyclase 2C; minus strand), GUCY2C-AS1 (GUCY2C antisense RNA 1; plus strand). Cytogenetic location: 12p12.3.
Variant type: Deletion.
Coding change: c.1114del on transcript NM_004963.4 (MANE Select); coding-DNA position 1114, one base deleted (T; older notation c.1114delT).
Protein change: p.Trp372fs; shifts the reading frame from tryptophan 372.
Molecular consequence: frameshift variant.
Genome position (GRCh38, 1-based): chr12:14,672,929, A deleted on the plus strand (T on the coding strand, the reverse complement: GUCY2C is on the minus strand). VCF-style (leftmost placement, unchanged base first): chr12-14672928-CA-C. GRCh37 (hg19) VCF-style: chr12-14825862-CA-C.
Other names: short protein forms W372fs.
Identifiers: ClinVar variation 3662285 (VCV003662285.2).